The following is an entry in ClinVar:

NM_002878.4(RAD51D):c.131_144+24del

Genes: RAD51D (RAD51 paralog D; minus strand), RAD51L3-RFFL (RAD51L3-RFFL readthrough; minus strand). Cytogenetic location: 17q12.
Variant type: Deletion.
Coding change: c.131_144+24del on transcript NM_002878.4 (MANE Select); coding-DNA position 131 through 24 bases into the intron after coding-DNA position 144, 38 bases deleted.
Molecular consequence: splice donor variant.
Genome position (GRCh38, 1-based): chr17:35,119,087-35,119,124, 38 bases deleted. GRCh37 (hg19): chr17:33,446,106-33,446,143.
Other names: c.131_144+24delGCTTGTCTTACAAGGTGAGCTCCTGATCTCCACATTCC (NM_002878.3); c.131_144+24del (NM_133629.3, NM_001142571.2); c.131_144+24del38 (NM_002878.3).
Identifiers: ClinVar variation 422338 (VCV000422338.20), dbSNP rs1064795716, ClinGen allele CA16620391.

ClinVar aggregate classification (germline): Pathogenic/Likely pathogenic. Review status: criteria provided, multiple submitters, no conflicts (2 of 4 stars). 6 submissions from 6 submitters: Pathogenic (3); Likely pathogenic (3). Last evaluated 2026-01-02.

Conditions:
Hereditary cancer-predisposing syndrome. Also called: Hereditary neoplastic syndrome; Neoplastic Syndromes, Hereditary; Tumor predisposition; Hereditary Cancer Syndrome. Identifiers: Orphanet 140162, MedGen C0027672, MeSH D009386, MONDO:0015356.
Breast-ovarian cancer, familial, susceptibility to, 4. Identifiers: Orphanet 145, MedGen C3280345, MONDO:0013669, OMIM 614291.

Allele frequency attached by ClinVar (database versions not stated): gnomAD exomes below 0.00001; TOPMed below 0.00001.

Submissions (6):

Labcorp Genetics (formerly Invitae), Labcorp
Classification: Pathogenic for Breast-ovarian cancer, familial, susceptibility to, 4. Last evaluated: 2026-01-02. Review status: criteria provided, single submitter. Criteria: Invitae Variant Classification Sherloc (09022015). Collection method: clinical testing. Allele origin: germline.
Comment: This variant results in the deletion of part of exon 2 (c.131_144+24del) of the RAD51D gene. RNA analysis indicates that this variant induces altered splicing and may result in an absent or altered protein product. This variant is present in population databases (no rsID available, gnomAD no frequency). This variant has been observed in individual(s) with ovarian cancer (PMID: 22986143). ClinVar contains an entry for this variant (Variation ID: 422338). Studies have shown that this variant results in skipping of exon 2, and produces a non-functional protein and/or introduces a premature termination codon (PMID: 22986143; internal data). For these reasons, this variant has been classified as Pathogenic.

Ambry Genetics
Classification: Pathogenic for Hereditary cancer-predisposing syndrome. Last evaluated: 2024-04-18. Review status: criteria provided, single submitter. Criteria: Ambry Variant Classification Scheme 2023. Collection method: clinical testing. Allele origin: germline.
Comment: The c.131_144+24del38 intronic variant, located between coding exon 2 and intron 2 of the RAD51D gene, results from a deletion of the last 14 nucleotides of coding exon 2 and the first 24 nucleotides within intron 2 of the RAD51D gene. This alteration has been reported in a proband with ovarian cancer (Wickramanayake A et al. Gynecol. Oncol. 2012 Dec;127(3):552-5). In silico splice site analysis predicts that this alteration will weaken the native splice donor site. RNA studies have demonstrated that this alteration results in abnormal splicing in the set of samples tested (Ambry internal data). Based on the supporting evidence, this alteration is interpreted as a disease-causing mutation.

Myriad Genetics, Inc.
Classification: Likely pathogenic for Breast-ovarian cancer, familial, susceptibility to, 4. Last evaluated: 2024-01-04. Review status: criteria provided, single submitter. Criteria: Myriad Autosomal Dominant, Autosomal Recessive and X-Linked Classification Criteria (2023). Collection method: clinical testing. Allele origin: unknown.
Comment: This variant is considered likely pathogenic. This variant occurs within a consensus splice junction and is predicted to result in abnormal mRNA splicing of either an out-of-frame exon or an in-frame exon necessary for protein stability and/or normal function.

GeneDx
Classification: Likely pathogenic. Last evaluated: 2023-08-08. Review status: criteria provided, single submitter. Criteria: GeneDx Variant Classification Process June 2021. Collection method: clinical testing. Allele origin: germline. Affected: yes.
Comment: Canonical splice site variant predicted to result in a null allele in a gene for which loss of function is a known mechanism of disease; Not observed at significant frequency in large population cohorts (gnomAD); This variant is associated with the following publications: (PMID: 25445424, 32359370, 26720728, 22986143)

Baylor Genetics
Classification: Pathogenic for Breast-ovarian cancer, familial, susceptibility to, 4. Last evaluated: 2022-12-05. Review status: criteria provided, single submitter. Criteria: ACMG Guidelines, 2015. Collection method: clinical testing. Allele origin: unknown.

Color Diagnostics, LLC DBA Color Health
Classification: Likely pathogenic for Hereditary cancer-predisposing syndrome. Last evaluated: 2022-04-05. Review status: criteria provided, single submitter. Criteria: ACMG Guidelines, 2015. Collection method: clinical testing. Allele origin: germline.
Comment: This variant is a deletion of 38 nucleotides spanning the exon2/intron 2 boundary, removing the canonical splice donor site. This variant was reported in an individual affected with ovarian cancer (PMID: 22986143). Non-quantitative RNA study in this proband has shown that this variant causes skipping of exon 2, leading to a premature translation termination (PMID: 22986143). This variant is predicted to result in an absent or non-functional protein product. This variant has been observed in 1/251390 chromosomes in the general population by the Genome Aggregation Database (gnomAD). The Loss of RAD51D gene function is a known mechanism of disease. Based on the available information, this variant is classified as Likely Pathogenic.

Literature cited by the submitters: PubMed 22986143 (cited by Labcorp Genetics (formerly Invitae), Labcorp and Color Diagnostics, LLC DBA Color Health).